The following is an entry in ClinVar:

ClinVar aggregate classification (germline): not provided (0 of 4 stars; one submission).

Allele frequency attached by ClinVar (database versions not stated): gnomAD below 0.00001 and 0.00001; gnomAD exomes 0.00002; 1000 Genomes Project 30x 0.00016; 1000 Genomes Project 0.00020.
gnomAD v4.1: 29 of 1,614,090 alleles (0.0018%); highest among the groups gnomAD compares: South Asian, 0.03%; 1 homozygote.

Submission:

ITMI
No classification provided. Condition: AllHighlyPenetrant. Last evaluated: 2013-09-19. Review status: no classification provided. Collection method: reference population. Allele origin: germline.
Comment: Please see associated publication for description of ethnicities

Literature cited by the submitters: PubMed 24728327.

NM_000400.4(ERCC2):c.1276C>G (p.Pro426Ala)

Gene: ERCC2 (ERCC excision repair 2, TFIIH core complex helicase subunit; minus strand). Cytogenetic location: 19q13.32.
Variant type: single nucleotide variant.
Coding change: c.1276C>G on transcript NM_000400.4 (MANE Select); coding-DNA position 1276, C replaced by G.
Protein change: p.Pro426Ala; replaces proline 426 with alanine.
Molecular consequence: missense variant.
Genome position (GRCh38, 1-based): chr19:45,357,661, G>C on the plus strand (C>G on the coding strand, the complement: ERCC2 is on the minus strand). VCF-style: chr19-45357661-G-C. GRCh37 (hg19) VCF-style: chr19-45860919-G-C.
Other names: short protein forms P426A.
Identifiers: ClinVar variation 134092 (VCV000134092.1), dbSNP rs577723968, ClinGen allele CA158743.